The following is an entry in ClinVar:

NM_020719.3(PRR12):c.3743G>T (p.Gly1248Val)

Gene: PRR12 (proline rich 12; plus strand). Cytogenetic location: 19q13.33.
Variant type: single nucleotide variant.
Coding change: c.3743G>T on transcript NM_020719.3 (MANE Select); coding-DNA position 3743, G replaced by T.
Protein change: p.Gly1248Val; replaces glycine 1248 with valine.
Molecular consequence: missense variant.
Genome position (GRCh38, 1-based): chr19:49,599,336, G>T. VCF-style: chr19-49599336-G-T. GRCh37 (hg19) VCF-style: chr19-50102593-G-T.
Other names: short protein forms G1248V.
Identifiers: ClinVar variation 1712617 (VCV001712617.3), dbSNP rs2514277207, ClinGen allele CA406886623.

ClinVar aggregate classification (germline): Uncertain significance (1 of 4 stars; one submission).

Submission:

GeneDx
Classification: Uncertain significance. Last evaluated: 2023-09-30. Review status: criteria provided, single submitter. Criteria: GeneDx Variant Classification Process June 2021. Collection method: clinical testing. Allele origin: germline.
Comment: Not observed at significant frequency in large population cohorts (gnomAD); In silico analysis supports that this missense variant does not alter protein structure/function; Has not been previously published as pathogenic or benign to our knowledge